The following is an entry in ClinVar:

NM_001382391.1(CSPP1):c.3157C>T (p.Pro1053Ser)

Genes: ARFGEF1 (ARF guanine nucleotide exchange factor 1; minus strand), CSPP1 (centrosome and spindle pole associated protein 1; plus strand). Cytogenetic location: 8q13.2.
Variant type: single nucleotide variant.
Coding change: c.3157C>T on transcript NM_001382391.1 (MANE Select); coding-DNA position 3157, C replaced by T.
Protein change: p.Pro1053Ser; replaces proline 1053 with serine.
Molecular consequence: missense variant. On other transcripts: intron variant (2).
Genome position (GRCh38, 1-based): chr8:67,179,863, C>T. VCF-style: chr8-67179863-C-T. GRCh37 (hg19) VCF-style: chr8-68092098-C-T.
Other names: c.2107C>T, p.Pro703Ser (NM_001291339.2); c.3076C>T, p.Pro1026Ser (NM_001363131.2); c.2962C>T, p.Pro988Ser (NM_001363132.2); c.2881C>T, p.Pro961Ser (NM_001363133.2); c.3223C>T, p.Pro1075Ser (NM_001364869.1); c.3043C>T, p.Pro1015Ser (NM_001364870.1); c.2989C>T, p.Pro997Ser (NM_001438330.1); c.3142C>T, p.Pro1048Ser (NM_001438331.1, NM_024790.7); and 3 more; short protein forms P1015S, P703S, P1026S, P1048S, P1075S, P961S, P988S, P1053S.
Identifiers: ClinVar variation 861929 (VCV000861929.8), dbSNP rs371681100, ClinGen allele CA4771085.

ClinVar aggregate classification (germline): Uncertain significance. Review status: criteria provided, multiple submitters, no conflicts (2 of 4 stars). 3 submissions from 3 submitters: Uncertain significance (3). Last evaluated 2025-09-05.

Conditions:
Inborn genetic diseases. Identifiers: MedGen C0950123, MeSH D030342.
Joubert syndrome 21 (JBTS21). Identifiers: MedGen C3810212, MONDO:0014288, OMIM 615636.

Allele frequency attached by ClinVar (database versions not stated): ExAC 0.00010; gnomAD exomes 0.00013 and 0.00008; TOPMed 0.00006; ESP Exome Variant Server 0.00009; gnomAD 0.00009.
gnomAD v4.1: 203 of 1,589,478 alleles (0.013%); highest among the groups gnomAD compares: Non-Finnish European, 0.017%; no homozygotes.

Submissions (3):

Labcorp Genetics (formerly Invitae), Labcorp
Classification: Uncertain significance for Joubert syndrome 21. Last evaluated: 2025-09-05. Review status: criteria provided, single submitter. Criteria: Invitae Variant Classification Sherloc (09022015). Collection method: clinical testing. Allele origin: germline.
Comment: This sequence change replaces proline, which is neutral and non-polar, with serine, which is neutral and polar, at codon 1048 of the CSPP1 protein (p.Pro1048Ser). This variant is present in population databases (rs371681100, gnomAD 0.02%). This variant has not been reported in the literature in individuals affected with CSPP1-related conditions. ClinVar contains an entry for this variant (Variation ID: 861929). An algorithm developed to predict the effect of missense changes on protein structure and function outputs the following: PolyPhen-2: "Benign". The serine amino acid residue is found in multiple mammalian species, which suggests that this missense change does not adversely affect protein function. In summary, the available evidence is currently insufficient to determine the role of this variant in disease. Therefore, it has been classified as a Variant of Uncertain Significance.

Blueprint Genetics
Classification: Uncertain significance. Last evaluated: 2024-10-21. Review status: criteria provided, single submitter. Criteria: ACMG Guidelines, 2015. Collection method: clinical testing. Allele origin: germline.

Ambry Genetics
Classification: Uncertain significance for Inborn genetic diseases. Last evaluated: 2021-06-18. Review status: criteria provided, single submitter. Criteria: Ambry Variant Classification Scheme 2023. Collection method: clinical testing. Allele origin: germline.